The following is an entry in ClinVar:

NM_005360.5(MAF):c.915C>G (p.Cys305Trp)

Gene: MAF (MAF bZIP transcription factor; minus strand). Cytogenetic location: 16q23.2.
Variant type: single nucleotide variant.
Coding change: c.915C>G on transcript NM_005360.5 (MANE Select); coding-DNA position 915, C replaced by G.
Protein change: p.Cys305Trp; replaces cysteine 305 with tryptophan.
Molecular consequence: missense variant.
Genome position (GRCh38, 1-based): chr16:79,598,988, G>C on the plus strand (C>G on the coding strand, the complement: MAF is on the minus strand). VCF-style: chr16-79598988-G-C. GRCh37 (hg19) VCF-style: chr16-79632885-G-C.
Other names: c.915C>G, p.Cys305Trp (NM_001031804.3); short protein forms C305W.
Identifiers: ClinVar variation 3347441 (VCV003347441.1).

ClinVar aggregate classification (germline): Uncertain significance (0 of 4 stars; one submission).

Conditions:
MAF-related disorder. Also called: MAF-related condition.

Submission:

PreventionGenetics, part of Exact Sciences
Classification: Uncertain significance for MAF-related condition. Last evaluated: 2024-06-18. Review status: no assertion criteria provided. Collection method: clinical testing. Allele origin: germline.
Comment: The MAF c.915C>G variant is predicted to result in the amino acid substitution p.Cys305Trp. This variant was reported in an individual with congenital cataracts and glaucoma (Ma et al. 2016. PubMed ID: 26694549). This variant has not been reported in a large population database, indicating this variant is rare. Although we suspect that this variant may be pathogenic, at this time, the clinical significance of this variant is uncertain due to the absence of conclusive functional and genetic evidence.